The following is an entry in ClinVar:

NM_000368.5(TSC1):c.1929C>T (p.Thr643=)

Gene: TSC1 (TSC complex subunit 1; minus strand). Cytogenetic location: 9q34.13.
Variant type: single nucleotide variant.
Coding change: c.1929C>T on transcript NM_000368.5 (MANE Select); coding-DNA position 1929, C replaced by T.
Protein change: p.Thr643=; no amino-acid change (threonine 643 retained).
Molecular consequence: synonymous variant. On other transcripts: non-coding transcript variant (5).
Genome position (GRCh38, 1-based): chr9:132,905,649, G>A on the plus strand (C>T on the coding strand, the complement: TSC1 is on the minus strand). VCF-style: chr9-132905649-G-A. GRCh37 (hg19) VCF-style: chr9-135781036-G-A.
Other names: c.1926C>T, p.Thr642= (NM_001162426.2, NM_001406597.1, NM_001406598.1 and 6 more transcripts); c.1776C>T, p.Thr592= (NM_001162427.2, NM_001406610.1); c.1566C>T, p.Thr522= (NM_001362177.2, NM_001406614.1, NM_001406615.1 and 5 more transcripts); c.1929C>T, p.Thr643= (NM_001406592.1, NM_001406593.1, NM_001406594.1 and 7 more transcripts); c.1773C>T, p.Thr591= (NM_001406611.1, NM_001406612.1, NM_001406613.1); c.1563C>T, p.Thr521= (NM_001406620.1, NM_001406621.1, NM_001406622.1 and 2 more transcripts); c.978C>T, p.Thr326= (NM_001406626.1); c.975C>T, p.Thr325= (NM_001406627.1, NM_001406628.1); and 1 more.
Identifiers: ClinVar variation 3231286 (VCV003231286.2), dbSNP rs2131812254, ClinGen allele CA467812956.

ClinVar aggregate classification (germline): Benign/Likely benign. Review status: criteria provided, multiple submitters, no conflicts (2 of 4 stars). 2 submissions from 2 submitters: Benign (1); Likely benign (1). Last evaluated 2025-04-10.

Conditions:
Tuberous sclerosis 1 (TSC1). Identifiers: Orphanet 805, MedGen C1854465, MONDO:0008612, OMIM 191100.
Hereditary cancer-predisposing syndrome. Also called: Hereditary Cancer Syndrome; Tumor predisposition; Neoplastic Syndromes, Hereditary; Hereditary neoplastic syndrome. Identifiers: Orphanet 140162, MedGen C0027672, MeSH D009386, MONDO:0015356.

Submissions (2):

Myriad Genetics, Inc.
Classification: Benign for Tuberous sclerosis 1. Last evaluated: 2025-04-10. Review status: criteria provided, single submitter. Criteria: Myriad Autosomal Dominant, Autosomal Recessive and X-Linked Classification Criteria (2023). Collection method: clinical testing. Allele origin: unknown.
Comment: This variant is considered benign. This variant is a silent/synonymous amino acid change and it is not expected to impact splicing.

Ambry Genetics
Classification: Likely benign for Hereditary cancer-predisposing syndrome. Last evaluated: 2023-11-10. Review status: criteria provided, single submitter. Criteria: Ambry Variant Classification Scheme 2023. Collection method: clinical testing. Allele origin: germline.